The following is an entry in ClinVar:

NM_032578.4(MYPN):c.3799T>C (p.Trp1267Arg)

Gene: MYPN (myopalladin; plus strand). Cytogenetic location: 10q21.3.
Variant type: single nucleotide variant.
Coding change: c.3799T>C on transcript NM_032578.4 (MANE Select); coding-DNA position 3799, T replaced by C.
Protein change: p.Trp1267Arg; replaces tryptophan 1267 with arginine.
Molecular consequence: missense variant. On other transcripts: non-coding transcript variant (2).
Genome position (GRCh38, 1-based): chr10:68,210,291, T>C. VCF-style: chr10-68210291-T-C. GRCh37 (hg19) VCF-style: chr10-69970048-T-C.
Other names: c.3799T>C, p.Trp1267Arg (NM_001256267.2); c.2917T>C, p.Trp973Arg (NM_001256268.2); short protein forms W1267R, W973R.
Identifiers: ClinVar variation 4116161 (VCV004116161.1).

ClinVar aggregate classification (germline): Uncertain significance (1 of 4 stars; one submission).

Conditions:
Cardiovascular phenotype. Identifiers: MedGen CN230736.

gnomAD v4.1: 2 of 1,613,450 alleles (0.00012%); no homozygotes.

Submission:

Ambry Genetics
Classification: Uncertain significance for Cardiovascular phenotype. Last evaluated: 2025-07-03. Review status: criteria provided, single submitter. Criteria: Ambry Variant Classification Scheme 2023. Collection method: clinical testing. Allele origin: germline.
Comment: The p.W1267R variant (also known as c.3799T>C), located in coding exon 19 of the MYPN gene, results from a T to C substitution at nucleotide position 3799. The tryptophan at codon 1267 is replaced by arginine, an amino acid with dissimilar properties. This amino acid position is conserved. In addition, this alteration is predicted to be deleterious by in silico analysis. Based on the available evidence, the clinical significance of this variant remains unclear.